The following is an entry in ClinVar:

NM_000059.4(BRCA2):c.6082_6083del (p.Glu2028fs)

Gene: BRCA2 (BRCA2 DNA repair associated; plus strand). Cytogenetic location: 13q13.1.
Variant type: Microsatellite.
Coding change: c.6082_6083del on transcript NM_000059.4 (MANE Select); coding-DNA positions 6082 to 6083, 2 bases deleted (GA; older notation c.6082_6083delGA).
Protein change: p.Glu2028fs; shifts the reading frame from glutamic acid 2028.
Molecular consequence: frameshift variant.
Genome position (GRCh38, 1-based): chr13:32,340,437-32,340,438, GA deleted; deleting any 2 consecutive bases within chr13:32,340,434-32,340,438 gives the same sequence; the c. name uses the placement nearest the transcript's 3' end. VCF-style (leftmost placement, unchanged base first): chr13-32340433-AAG-A. GRCh37 (hg19) VCF-style: chr13-32914570-AAG-A.
Other names: 6310_6311delGA; c.6082_6083delGA (NM_000059.3); short protein forms E2028fs.
Identifiers: ClinVar variation 266921 (VCV000266921.20), dbSNP rs886040634, ClinGen allele CA10589352.

ClinVar aggregate classification (germline): Pathogenic. Review status: reviewed by expert panel (3 of 4 stars). 6 submissions from 6 submitters: Pathogenic (1). 5 of the submissions do not count toward it. Last evaluated 2016-10-18.

Conditions:
Breast-ovarian cancer, familial, susceptibility to, 2 (BROVCA2). Also called: BRCA2 Hereditary Breast and Ovarian Cancer. Identifiers: Orphanet 145, MedGen C2675520, MONDO:0012933, OMIM 612555. Disease mechanism: loss of function.
Hereditary cancer-predisposing syndrome. Also called: Hereditary neoplastic syndrome; Neoplastic Syndromes, Hereditary; Tumor predisposition; Hereditary Cancer Syndrome. Identifiers: Orphanet 140162, MedGen C0027672, MeSH D009386, MONDO:0015356.
Hereditary breast ovarian cancer syndrome. Also called: BRCA1- and BRCA2-Associated Hereditary Breast and Ovarian Cancer; Hereditary breast and ovarian cancer; Breast and ovarian cancer; Hereditary breast and/or ovarian cancer syndrome; Hereditary breast and ovarian cancer syndrome; Hereditary breast and ovarian cancer syndrome (HBOC). Identifiers: Orphanet 145, MedGen C0677776, MeSH D061325, MONDO:0003582. Disease mechanism: loss of function.

Submissions (6):

Evidence-based Network for the Interpretation of Germline Mutant Alleles (ENIGMA)
Classification: Pathogenic for Breast-ovarian cancer, familial, susceptibility to, 2. Last evaluated: 2016-10-18. Review status: reviewed by expert panel. Criteria: ENIGMA BRCA1/2 Classification Criteria (2015). Collection method: curation. Allele origin: germline.
Comment: Variant allele predicted to encode a truncated non-functional protein.

Labcorp Genetics (formerly Invitae), Labcorp
Classification: Pathogenic for Hereditary breast ovarian cancer syndrome. Last evaluated: 2026-01-27. Review status: criteria provided, single submitter. Criteria: Invitae Variant Classification Sherloc (09022015). Collection method: clinical testing. Allele origin: germline. Not counted in ClinVar's aggregate classification.
Comment: This sequence change creates a premature translational stop signal (p.Glu2028Argfs*20) in the BRCA2 gene. It is expected to result in an absent or disrupted protein product. Loss-of-function variants in BRCA2 are known to be pathogenic (PMID: 20104584). This variant is not present in population databases (gnomAD no frequency). This premature translational stop signal has been observed in individual(s) with breast and/or ovarian cancer (PMID: 28680148). This variant is also known as 6310delGA. For these reasons, this variant has been classified as Pathogenic.

Ambry Genetics
Classification: Pathogenic for Hereditary cancer-predisposing syndrome. Last evaluated: 2024-08-05. Review status: criteria provided, single submitter. Criteria: Ambry Variant Classification Scheme 2023. Collection method: clinical testing. Allele origin: germline. Not counted in ClinVar's aggregate classification.
Comment: The c.6082_6083delGA pathogenic mutation, located in coding exon 10 of the BRCA2 gene, results from a deletion of two nucleotides at nucleotide positions 6082 to 6083, causing a translational frameshift with a predicted alternate stop codon (p.E2028Rfs*20). This variant is considered to be rare based on population cohorts in the Genome Aggregation Database (gnomAD). This alteration is expected to result in loss of function by premature protein truncation or nonsense-mediated mRNA decay. As such, this alteration is interpreted as a disease-causing mutation.

Color Diagnostics, LLC DBA Color Health
Classification: Pathogenic for Hereditary cancer-predisposing syndrome. Last evaluated: 2020-01-15. Review status: criteria provided, single submitter. Criteria: ACMG Guidelines, 2015. Collection method: clinical testing. Allele origin: germline. Not counted in ClinVar's aggregate classification.
Comment: This variant deletes 2 nucleotides in exon 11 of the BRCA2 gene, creating a frameshift and premature translation stop signal. This variant is expected to result in an absent or non-functional protein product. This variant has not been identified in the general population by the Genome Aggregation Database (gnomAD). Loss of BRCA2 function is a known mechanism of disease. Based on the available evidence, this variant is classified as Pathogenic.

Consortium of Investigators of Modifiers of BRCA1/2 (CIMBA), c/o University of Cambridge
Classification: Pathogenic for Breast-ovarian cancer, familial, susceptibility to, 2. Last evaluated: 2015-10-02. Review status: criteria provided, single submitter. Criteria: CIMBA Mutation Classification guidelines May 2016. Collection method: clinical testing. Allele origin: germline. Not counted in ClinVar's aggregate classification.

Molecular Oncology, Hospital Universitario Central de Asturias (HUCA)
Classification: Pathogenic for Breast-ovarian cancer, familial, susceptibility to, 2. Last evaluated: 2021-05-24. Review status: no assertion criteria provided. Collection method: case-control. Allele origin: germline. Affected: yes. Not counted in ClinVar's aggregate classification.

Literature cited by the submitters: PubMed 20104584 (cited by Labcorp Genetics (formerly Invitae), Labcorp); PubMed 28680148 (cited by Labcorp Genetics (formerly Invitae), Labcorp); PubMed 38922859 (cited by Molecular Oncology, Hospital Universitario Central de Asturias (HUCA)).